The following is an entry in ClinVar:

ClinVar aggregate classification (germline): Likely pathogenic (1 of 4 stars; one submission).

Conditions:
Hemochromatosis type 2A (HFE2A). Also called: Adult-Onset Hemochromatosis; HJV (HFE2)-Related Juvenile Hemochromatosis. Identifiers: Orphanet 79230, MedGen C1865614, MONDO:0011216, OMIM 602390.

Submission:

Natera, Inc.
Classification: Likely pathogenic for Hemochromatosis type 2A. Last evaluated: 2024-02-23. Review status: criteria provided, single submitter. Criteria: Natera Variant Classification Schema (03/2026). Collection method: clinical testing. Allele origin: germline.
Comment: The c.188delG variant in HJV is a frameshift variant predicted to shift the reading frame beginning at codon 63 and leads to a stop codon 51 codons downstream. This variant is expected to result in nonsense mediated decay, truncation, or a dysfunctional protein product. This variant is rare in the general population with a frequency below the threshold expected for the associated phenotype(s). Given the available evidence, this variant is classified as Likely Pathogenic.

NM_213653.4(HJV):c.188del (p.Arg63fs)

Gene: HJV (hemojuvelin BMP co-receptor; minus strand). Cytogenetic location: 1q21.1.
Variant type: Deletion.
Coding change: c.188del on transcript NM_213653.4 (MANE Select); coding-DNA position 188, one base deleted (G; older notation c.188delG).
Protein change: p.Arg63fs; shifts the reading frame from arginine 63.
Molecular consequence: frameshift variant. On other transcripts: 5 prime UTR variant (1), intron variant (3).
Genome position (GRCh38, 1-based): chr1:146,019,644, C deleted on the plus strand (G on the coding strand, the reverse complement: HJV is on the minus strand). VCF-style (leftmost placement, unchanged base first): chr1-146019643-TC-T. GRCh37 (hg19) VCF-style: chr1-145415368-CG-C.
Other names: c.188del, p.Arg63fs (NM_001379352.1); c.-152del (NM_145277.5); c.-21-944del (NM_213652.4); c.-22+54del (NM_202004.4, NM_001316767.2); short protein forms R63fs.
Identifiers: ClinVar variation 4817167 (VCV004817167.1).
Genomic context (GRCh38, chr1:146,019,643, plus strand): 5'-GAGGGCTCGACAGAGGCCGCCAGAGCCCACCCCTCCACCCCGGCCTCCTCCTCCTCCTCC[TC>T]GAAGTGCTCCTGATGAACCCCCACCTCTAAGGCTCAGAGTGGACGATACGTACTCAGCAT-3'